The following is an entry in ClinVar:

ClinVar aggregate classification (germline): Uncertain significance (1 of 4 stars; one submission).

Conditions:
Familial cancer of breast. Also called: Hereditary breast cancer; hereditary breast carcinoma; BREAST CANCER, FAMILIAL. Identifiers: Orphanet 227535, MedGen C0346153, MONDO:0016419, OMIM 114480. Disease mechanism: loss of function.

Submission:

Labcorp Genetics (formerly Invitae), Labcorp
Classification: Uncertain significance for Familial cancer of breast. Last evaluated: 2024-10-15. Review status: criteria provided, single submitter. Criteria: Invitae Variant Classification Sherloc (09022015). Collection method: clinical testing. Allele origin: germline.
Comment: This sequence change replaces glycine, which is neutral and non-polar, with arginine, which is basic and polar, at codon 752 of the PALB2 protein (p.Gly752Arg). This variant is not present in population databases (gnomAD no frequency). This variant has not been reported in the literature in individuals affected with PALB2-related conditions. ClinVar contains an entry for this variant (Variation ID: 1003988). Invitae Evidence Modeling of protein sequence and biophysical properties (such as structural, functional, and spatial information, amino acid conservation, physicochemical variation, residue mobility, and thermodynamic stability) indicates that this missense variant is not expected to disrupt PALB2 protein function with a negative predictive value of 80%. In summary, the available evidence is currently insufficient to determine the role of this variant in disease. Therefore, it has been classified as a Variant of Uncertain Significance.

NM_024675.4(PALB2):c.2254G>A (p.Gly752Arg)

Gene: PALB2 (partner and localizer of BRCA2; minus strand). Cytogenetic location: 16p12.2.
Variant type: single nucleotide variant.
Coding change: c.2254G>A on transcript NM_024675.4 (MANE Select); coding-DNA position 2254, G replaced by A.
Protein change: p.Gly752Arg; replaces glycine 752 with arginine.
Molecular consequence: missense variant.
Genome position (GRCh38, 1-based): chr16:23,629,900, C>T on the plus strand (G>A on the coding strand, the complement: PALB2 is on the minus strand). VCF-style: chr16-23629900-C-T. GRCh37 (hg19) VCF-style: chr16-23641221-C-T.
Other names: short protein forms G752R.
Identifiers: ClinVar variation 1003988 (VCV001003988.9), dbSNP rs1966858306, ClinGen allele CA395125456.